The following is an entry in ClinVar:

NM_020461.4(TUBGCP6):c.1543A>T (p.Asn515Tyr)

Gene: TUBGCP6 (tubulin gamma complex component 6; minus strand). Cytogenetic location: 22q13.33.
Variant type: single nucleotide variant.
Coding change: c.1543A>T on transcript NM_020461.4 (MANE Select); coding-DNA position 1543, A replaced by T.
Protein change: p.Asn515Tyr; replaces asparagine 515 with tyrosine.
Molecular consequence: missense variant.
Genome position (GRCh38, 1-based): chr22:50,226,791, T>A on the plus strand (A>T on the coding strand, the complement: TUBGCP6 is on the minus strand). VCF-style: chr22-50226791-T-A. GRCh37 (hg19) VCF-style: chr22-50665220-T-A.
Other names: short protein forms N515Y.
Identifiers: ClinVar variation 1408828 (VCV001408828.8), dbSNP rs1379011891, ClinGen allele CA412106922.

ClinVar aggregate classification (germline): Uncertain significance (1 of 4 stars; one submission).

Allele frequency attached by ClinVar (database versions not stated): gnomAD exomes below 0.00001 and 0.00001; TOPMed below 0.00001.

Submission:

Labcorp Genetics (formerly Invitae), Labcorp
Classification: Uncertain significance. Last evaluated: 2022-02-05. Review status: criteria provided, single submitter. Criteria: Invitae Variant Classification Sherloc (09022015). Collection method: clinical testing. Allele origin: germline.
Comment: This sequence change replaces asparagine, which is neutral and polar, with tyrosine, which is neutral and polar, at codon 515 of the TUBGCP6 protein (p.Asn515Tyr). This variant is present in population databases (no rsID available, gnomAD 0.007%). This variant has not been reported in the literature in individuals affected with TUBGCP6-related conditions. Algorithms developed to predict the effect of missense changes on protein structure and function are either unavailable or do not agree on the potential impact of this missense change (SIFT: "Deleterious"; PolyPhen-2: "Probably Damaging"; Align-GVGD: "Class C0"). In summary, the available evidence is currently insufficient to determine the role of this variant in disease. Therefore, it has been classified as a Variant of Uncertain Significance.